The following is an entry in ClinVar:

ClinVar aggregate classification (germline): Uncertain significance. Review status: criteria provided, multiple submitters, no conflicts (2 of 4 stars). 2 submissions from 2 submitters: Uncertain significance (2). Last evaluated 2024-11-17.

Conditions:
Dyskeratosis congenita, autosomal recessive 5 (DKCB5). Identifiers: MedGen C3554656, MONDO:0014076, OMIM 615190.
Pulmonary fibrosis and/or bone marrow failure, Telomere-related, 3. Also called: PULMONARY FIBROSIS AND/OR BONE MARROW FAILURE SYNDROME, TELOMERE-RELATED, 3. Identifiers: Orphanet 2032, MedGen C4225346, MONDO:0014613, OMIM 616373.
Inborn genetic diseases. Identifiers: MedGen C0950123, MeSH D030342.

Allele frequency attached by ClinVar (database versions not stated): TOPMed 0.00001.
gnomAD v4.1: 7 of 1,609,904 alleles (0.00043%); highest among the groups gnomAD compares: African/African-American, 0.0067%; no homozygotes.

Submissions (2):

Ambry Genetics
Classification: Uncertain significance for Inborn genetic diseases. Last evaluated: 2024-11-17. Review status: criteria provided, single submitter. Criteria: Ambry Variant Classification Scheme 2023. Collection method: clinical testing. Allele origin: germline.
Comment: The p.L620V variant (also known as c.1858C>G), located in coding exon 21 of the RTEL1 gene, results from a C to G substitution at nucleotide position 1858. The leucine at codon 620 is replaced by valine, an amino acid with highly similar properties. This amino acid position is conserved. In addition, the in silico prediction for this alteration is inconclusive. Based on the available evidence, the clinical significance of this variant remains unclear.

Labcorp Genetics (formerly Invitae), Labcorp
Classification: Uncertain significance for Dyskeratosis congenita, autosomal recessive 5; Pulmonary fibrosis and/or bone marrow failure, Telomere-related, 3. Last evaluated: 2021-09-01. Review status: criteria provided, single submitter. Criteria: Invitae Variant Classification Sherloc (09022015). Collection method: clinical testing. Allele origin: germline.
Comment: This sequence change replaces leucine with valine at codon 620 of the RTEL1 protein (p.Leu620Val). The leucine residue is moderately conserved and there is a small physicochemical difference between leucine and valine. This variant is present in population databases (rs368411912, ExAC 0.01%). This variant has not been reported in the literature in individuals affected with RTEL1-related conditions. Algorithms developed to predict the effect of missense changes on protein structure and function are either unavailable or do not agree on the potential impact of this missense change (SIFT: "Deleterious"; PolyPhen-2: "Possibly Damaging"; Align-GVGD: "Class C0"). In summary, the available evidence is currently insufficient to determine the role of this variant in disease. Therefore, it has been classified as a Variant of Uncertain Significance.

NM_001283009.2(RTEL1):c.1858C>G (p.Leu620Val)

Genes: RTEL1 (regulator of telomere elongation helicase 1; plus strand), RTEL1-TNFRSF6B (RTEL1-TNFRSF6B readthrough (NMD candidate); plus strand). Cytogenetic location: 20q13.33.
Variant type: single nucleotide variant.
Coding change: c.1858C>G on transcript NM_001283009.2 (MANE Select); coding-DNA position 1858, C replaced by G.
Protein change: p.Leu620Val; replaces leucine 620 with valine.
Molecular consequence: missense variant. On other transcripts: non-coding transcript variant (1).
Genome position (GRCh38, 1-based): chr20:63,689,112, C>G. VCF-style: chr20-63689112-C-G. GRCh37 (hg19) VCF-style: chr20-62320465-C-G.
Other names: c.1189C>G, p.Leu397Val (NM_001283010.1); c.1858C>G, p.Leu620Val (NM_016434.4); c.1930C>G, p.Leu644Val (NM_032957.5); short protein forms L397V, L620V, L644V.
Identifiers: ClinVar variation 1045976 (VCV001045976.7), dbSNP rs368411912, ClinGen allele CA9965043.